The following is an entry in ClinVar:

NM_004820.5(CYP7B1):c.123-9del

Gene: CYP7B1 (cytochrome P450 family 7 subfamily B member 1; minus strand). Cytogenetic location: 8q12.3.
Variant type: Deletion.
Coding change: c.123-9del on transcript NM_004820.5 (MANE Select); 9 bases into the intron before coding-DNA position 123, one base deleted (T; older notation c.123-9delT).
Molecular consequence: intron variant.
Genome position (GRCh38, 1-based): chr8:64,624,548, A deleted on the plus strand (T on the coding strand, the reverse complement: CYP7B1 is on the minus strand); the first of 11 consecutive A bases (chr8:64,624,548-64,624,558); deleting any one gives the same sequence. VCF-style (leftmost placement, unchanged base first): chr8-64624547-GA-G. GRCh37 (hg19) VCF-style: chr8-65537104-GA-G.
Other names: p.?; c.123-9del (NM_001324112.2, NM_004820.3).
Identifiers: ClinVar variation 195232 (VCV000195232.21), dbSNP rs8192895, ClinGen allele CA201634.

ClinVar aggregate classification (germline): Benign/Likely benign. Review status: criteria provided, multiple submitters, no conflicts (2 of 4 stars). 5 submissions from 5 submitters: Benign (4); Likely benign (1). Last evaluated 2026-01-06.

Conditions:
Spastic paraplegia. Identifiers: MedGen C0037772, HP:0001258.
Hereditary spastic paraplegia. Also called: Familial spastic paraparesis. Identifiers: Orphanet 685, MedGen C0037773, MONDO:0019064. Disease mechanism: loss of function.

Submissions (5):

Labcorp Genetics (formerly Invitae), Labcorp
Classification: Benign for Spastic paraplegia. Last evaluated: 2026-01-06. Review status: criteria provided, single submitter. Criteria: Invitae Variant Classification Sherloc (09022015). Collection method: clinical testing. Allele origin: germline.

Athena Diagnostics
Classification: Benign. Last evaluated: 2024-12-17. Review status: criteria provided, single submitter. Criteria: Athena Diagnostics Criteria. Collection method: clinical testing. Allele origin: unknown.
Comment: The frequency of this variant in the general population is higher than would generally be expected for pathogenic variants in this gene. Computational tools yielded predictions that this variant is unlikely to have an effect on normal RNA splicing.

Mayo Clinic Laboratories, Mayo Clinic
Classification: Benign. Last evaluated: 2021-05-27. Review status: criteria provided, single submitter. Criteria: ACMG Guidelines, 2015. Collection method: clinical testing. Allele origin: germline. Observed: 16 variant alleles.

Genome Diagnostics Laboratory, The Hospital for Sick Children
Classification: Likely benign for Hereditary spastic paraplegia. Last evaluated: 2016-12-12. Review status: criteria provided, single submitter. Criteria: ACMG Guidelines, 2015. Collection method: clinical testing. Allele origin: germline. Affected: yes.

Eurofins Ntd Llc (ga)
Classification: Benign. Last evaluated: 2014-08-11. Review status: criteria provided, single submitter. Criteria: EGL Classification Definitions 2015. Collection method: clinical testing. Allele origin: germline. Observed: 1 variant allele, 1 heterozygote.